The following is an entry in ClinVar:

ClinVar aggregate classification (germline): Uncertain significance (1 of 4 stars; one submission).

Conditions:
Werner syndrome (WRN). Identifiers: Orphanet 902, MedGen C0043119, MONDO:0010196, OMIM 277700.

gnomAD v4.1: 2 of 1,612,584 alleles (0.00012%); highest among the groups gnomAD compares: Non-Finnish European, 0.00017%; no homozygotes.

Submission:

Labcorp Genetics (formerly Invitae), Labcorp
Classification: Uncertain significance for Werner syndrome. Last evaluated: 2022-02-20. Review status: criteria provided, single submitter. Criteria: Invitae Variant Classification Sherloc (09022015). Collection method: clinical testing. Allele origin: germline.
Comment: This variant has not been reported in the literature in individuals affected with WRN-related conditions. In summary, the available evidence is currently insufficient to determine the role of this variant in disease. Therefore, it has been classified as a Variant of Uncertain Significance. Algorithms developed to predict the effect of missense changes on protein structure and function output the following: SIFT: "Not Available"; PolyPhen-2: "Benign"; Align-GVGD: "Not Available". The leucine amino acid residue is found in multiple mammalian species, which suggests that this missense change does not adversely affect protein function. This variant is not present in population databases (gnomAD no frequency). This sequence change replaces valine, which is neutral and non-polar, with leucine, which is neutral and non-polar, at codon 588 of the WRN protein (p.Val588Leu).

NM_000553.6(WRN):c.1762G>C (p.Val588Leu)

Gene: WRN (WRN RecQ like helicase; plus strand). Cytogenetic location: 8p12.
Variant type: single nucleotide variant.
Coding change: c.1762G>C on transcript NM_000553.6 (MANE Select); coding-DNA position 1762, G replaced by C.
Protein change: p.Val588Leu; replaces valine 588 with leucine.
Molecular consequence: missense variant.
Genome position (GRCh38, 1-based): chr8:31,090,875, G>C. VCF-style: chr8-31090875-G-C. GRCh37 (hg19) VCF-style: chr8-30948391-G-C.
Other names: short protein forms V588L.
Identifiers: ClinVar variation 1408847 (VCV001408847.8), dbSNP rs587778747, ClinGen allele CA370927755.